The following is an entry in ClinVar:

NM_014491.4(FOXP2):c.50A>T (p.Gln17Leu)

Gene: FOXP2 (forkhead box P2; plus strand). Cytogenetic location: 7q31.1.
Variant type: single nucleotide variant.
Coding change: c.50A>T on transcript NM_014491.4 (MANE Select); coding-DNA position 50, A replaced by T.
Protein change: p.Gln17Leu; replaces glutamine 17 with leucine.
Molecular consequence: missense variant. On other transcripts: non-coding transcript variant (2).
Genome position (GRCh38, 1-based): chr7:114,426,561, A>T. VCF-style: chr7-114426561-A-T. GRCh37 (hg19) VCF-style: chr7-114066616-A-T.
Other names: c.50A>T, p.Gln17Leu (NM_001172766.3, NM_001172767.2, NM_148898.4 and 2 more transcripts); short protein forms Q17L.
Identifiers: ClinVar variation 195296 (VCV000195296.36), dbSNP rs201649896, ClinGen allele CA241662.

ClinVar aggregate classification (germline): Conflicting classifications of pathogenicity. Review status: criteria provided, conflicting classifications (1 of 4 stars). 6 submissions from 6 submitters: Uncertain significance (1); Benign (1); Likely benign (2). 2 of the submissions do not count toward it. Last evaluated 2025-08-01.

Conditions:
FOXP2-related disorder. Also called: FOXP2-related condition.
Inborn genetic diseases. Identifiers: MedGen C0950123, MeSH D030342.
Childhood apraxia of speech (SPCH1). Also called: FOXP2-Related Speech and Language Disorder; DEVELOPMENTAL VERBAL DYSPRAXIA; Speech language disorder; SPEECH AND LANGUAGE DISORDER WITH OROFACIAL DYSPRAXIA. Identifiers: Orphanet 209908, MedGen C0750927, MONDO:0011184, OMIM 602081.

Allele frequency attached by ClinVar (database versions not stated): gnomAD exomes 0.00043; ESP Exome Variant Server 0.00062; gnomAD 0.00030 and 0.00034; TOPMed 0.00030; ExAC 0.00046.
gnomAD v4.1: 505 of 1,611,446 alleles (0.031%); highest among the groups gnomAD compares: Non-Finnish European, 0.029%; 2 homozygotes.

Submissions (6):

CeGaT Center for Human Genetics Tuebingen
Classification: Likely benign. Last evaluated: 2025-08-01. Review status: criteria provided, single submitter. Criteria: CeGaT Center For Human Genetics Tuebingen Variant Classification Criteria Version 2. Collection method: clinical testing. Allele origin: germline. Affected: yes. Observed: 5 variant alleles.
Comment: FOXP2: BS1

Ambry Genetics
Classification: Benign for Inborn genetic diseases. Last evaluated: 2019-03-25. Review status: criteria provided, single submitter. Criteria: Ambry Variant Classification Scheme 2023. Collection method: clinical testing. Allele origin: germline.

Illumina Laboratory Services, Illumina
Classification: Likely benign for Childhood apraxia of speech. Last evaluated: 2017-04-27. Review status: criteria provided, single submitter. Criteria: ICSL Variant Classification Criteria 13 December 2019. Collection method: clinical testing. Allele origin: germline.
Comment: This variant was observed as part of a predisposition screen in an ostensibly healthy population. A literature search was performed for the gene, cDNA change, and amino acid change (where applicable). Publications were found based on this search. The evidence from the literature, in combination with allele frequency data from public databases where available, was sufficient to determine this variant is unlikely to cause disease. Therefore, this variant is classified as likely benign.

Eurofins Ntd Llc (ga)
Classification: Uncertain significance. Last evaluated: 2015-03-05. Review status: criteria provided, single submitter. Criteria: EGL Classification Definitions 2015. Collection method: clinical testing. Allele origin: germline. Observed: 3 variant alleles, 3 heterozygotes.

PreventionGenetics, part of Exact Sciences
Classification: Likely benign for FOXP2-related condition. Last evaluated: 2019-06-25. Review status: no assertion criteria provided. Collection method: clinical testing. Allele origin: germline. Not counted in ClinVar's aggregate classification.
Comment: This variant is classified as likely benign based on ACMG/AMP sequence variant interpretation guidelines (Richards et al. 2015 PMID: 25741868, with internal and published modifications).

GeneReviews
No classification provided. Condition: Childhood apraxia of speech. Review status: no classification provided. Collection method: literature only. Allele origin: germline. Not counted in ClinVar's aggregate classification.

Literature cited by the submitters: PubMed 15877281 (cited by 3 submitters); PubMed 16984964 (cited by 3 submitters); PubMed 27933109 (cited by Ambry Genetics); PubMed 27336128 (cited by GeneReviews).